The following is an entry in ClinVar:

NM_002875.5(RAD51):c.601A>G (p.Thr201Ala)

Gene: RAD51 (RAD51 recombinase; plus strand). Cytogenetic location: 15q15.1.
Variant type: single nucleotide variant.
Coding change: c.601A>G on transcript NM_002875.5 (MANE Select); coding-DNA position 601, A replaced by G.
Protein change: p.Thr201Ala; replaces threonine 201 with alanine.
Molecular consequence: missense variant.
Genome position (GRCh38, 1-based): chr15:40,728,781, A>G. VCF-style: chr15-40728781-A-G. GRCh37 (hg19) VCF-style: chr15-41020979-A-G.
Other names: c.604A>G, p.Thr202Ala (NM_001164269.2, NM_133487.4); c.601A>G, p.Thr201Ala (NM_001164270.2); short protein forms T201A, T202A.
Identifiers: ClinVar variation 3222861 (VCV003222861.1), dbSNP rs1321607563, ClinGen allele CA391757370.

ClinVar aggregate classification (germline): Uncertain significance (1 of 4 stars; one submission).

Conditions:
Inborn genetic diseases. Identifiers: MedGen C0950123, MeSH D030342.

Allele frequency attached by ClinVar (database versions not stated): gnomAD exomes below 0.00001.
gnomAD v4.1: 4 of 1,614,070 alleles (0.00025%); highest among the groups gnomAD compares: African/African-American, 0.0013%; no homozygotes.

Submission:

Ambry Genetics
Classification: Uncertain significance for Inborn genetic diseases. Last evaluated: 2024-01-22. Review status: criteria provided, single submitter. Criteria: Ambry Variant Classification Scheme 2023. Collection method: clinical testing. Allele origin: germline.
Comment: The p.T201A variant (also known as c.601A>G), located in coding exon 6 of the RAD51 gene, results from an A to G substitution at nucleotide position 601. The threonine at codon 201 is replaced by alanine, an amino acid with similar properties. This amino acid position is conserved. In addition, the in silico prediction for this alteration is inconclusive. Based on the available evidence, the clinical significance of this alteration remains unclear.